The following is an entry in ClinVar:

ClinVar aggregate classification (germline): Uncertain significance (1 of 4 stars; one submission).

gnomAD v4.1: 4 of 1,614,128 alleles (0.00025%); highest among the groups gnomAD compares: South Asian, 0.0022%; no homozygotes.

Submission:

Labcorp Genetics (formerly Invitae), Labcorp
Classification: Uncertain significance. Last evaluated: 2025-10-02. Review status: criteria provided, single submitter. Criteria: Invitae Variant Classification Sherloc (09022015). Collection method: clinical testing. Allele origin: germline.
Comment: This sequence change replaces glutamine, which is neutral and polar, with lysine, which is basic and polar, at codon 759 of the BACH2 protein (p.Gln759Lys). This variant is not present in population databases (gnomAD no frequency). This variant has not been reported in the literature in individuals affected with BACH2-related conditions. ClinVar contains an entry for this variant (Variation ID: 3622083). Invitae Evidence Modeling of protein sequence and biophysical properties (such as structural, functional, and spatial information, amino acid conservation, physicochemical variation, residue mobility, and thermodynamic stability) indicates that this missense variant is not expected to disrupt BACH2 protein function with a negative predictive value of 80%. In summary, the available evidence is currently insufficient to determine the role of this variant in disease. Therefore, it has been classified as a Variant of Uncertain Significance.

NM_021813.4(BACH2):c.2275C>A (p.Gln759Lys)

Gene: BACH2 (BACH transcriptional regulator 2; minus strand). Cytogenetic location: 6q15.
Variant type: single nucleotide variant.
Coding change: c.2275C>A on transcript NM_021813.4 (MANE Select); coding-DNA position 2275, C replaced by A.
Protein change: p.Gln759Lys; replaces glutamine 759 with lysine.
Molecular consequence: missense variant.
Genome position (GRCh38, 1-based): chr6:89,932,659, G>T on the plus strand (C>A on the coding strand, the complement: BACH2 is on the minus strand). VCF-style: chr6-89932659-G-T. GRCh37 (hg19) VCF-style: chr6-90642378-G-T.
Other names: c.2275C>A, p.Gln759Lys (NM_001170794.2); short protein forms Q759K.
Identifiers: ClinVar variation 3622083 (VCV003622083.2).